The following is an entry in ClinVar:

ClinVar aggregate classification (germline): Benign. Review status: criteria provided, multiple submitters, no conflicts (2 of 4 stars). 5 submissions from 5 submitters: Benign (5). Last evaluated 2026-02-04.

Conditions:
Emery-Dreifuss muscular dystrophy 5, autosomal dominant (EDMD5). Also called: EMERY-DREIFUSS MUSCULAR DYSTROPHY 5. Identifiers: Orphanet 261, MedGen C2751805, MONDO:0013072, OMIM 612999.

Allele frequency attached by ClinVar (database versions not stated): TOPMed 0.40865; 1000 Genomes Project 0.44189; 1000 Genomes Project 30x 0.44613; gnomAD exomes 0.34200 and 0.36666; ExAC 0.37093; gnomAD 0.39974 and 0.40212; ESP Exome Variant Server 0.40681.
gnomAD v4.1: 557,092 of 1,600,702 alleles (35%); highest among the groups gnomAD compares: African/African-American, 53%; 99,823 homozygotes.

Submissions (5):

Labcorp Genetics (formerly Invitae), Labcorp
Classification: Benign for Emery-Dreifuss muscular dystrophy 5, autosomal dominant. Last evaluated: 2026-02-04. Review status: criteria provided, single submitter. Criteria: Invitae Variant Classification Sherloc (09022015). Collection method: clinical testing. Allele origin: germline.

GeneDx
Classification: Benign. Last evaluated: 2018-07-09. Review status: criteria provided, single submitter. Criteria: GeneDx Variant Classification Process June 2021. Collection method: clinical testing. Allele origin: germline. Affected: yes.

Illumina Laboratory Services, Illumina
Classification: Benign for Emery-Dreifuss muscular dystrophy 5, autosomal dominant. Last evaluated: 2018-01-13. Review status: criteria provided, single submitter. Criteria: ICSL Variant Classification Criteria 13 December 2019. Collection method: clinical testing. Allele origin: germline.
Comment: This variant was observed in the ICSL laboratory as part of a predisposition screen in an ostensibly healthy population. It had not been previously curated by ICSL or reported in the Human Gene Mutation Database (HGMD: prior to June 1st, 2018), and was therefore a candidate for classification through an automated scoring system. Utilizing variant allele frequency, disease prevalence and penetrance estimates, and inheritance mode, an automated score was calculated to assess if this variant is too frequent to cause the disease. Based on the score and internal cut-off values, a variant classified as benign is not then subjected to further curation. The score for this variant resulted in a classification of benign for this disease.

Genetic Services Laboratory, University of Chicago
Classification: Benign for AllHighlyPenetrant. Last evaluated: 2013-08-15. Review status: criteria provided, single submitter. Criteria: ACMG Guidelines, 2007. Collection method: clinical testing. Allele origin: germline. Inheritance: Autosomal dominant inheritance.

Breakthrough Genomics
Classification: Benign. Review status: criteria provided, single submitter. Criteria: ACMG Guidelines, 2015. Collection method: not provided. Allele origin: germline. Inheritance: Autosomal dominant inheritance. Affected: yes.

NM_182914.3(SYNE2):c.15543C>T (p.Ile5181=)

Gene: SYNE2 (spectrin repeat containing nuclear envelope protein 2; plus strand). Cytogenetic location: 14q23.2.
Variant type: single nucleotide variant.
Coding change: c.15543C>T on transcript NM_182914.3 (MANE Select); coding-DNA position 15543, C replaced by T.
Protein change: p.Ile5181=; no amino-acid change (isoleucine 5181 retained).
Molecular consequence: synonymous variant.
Genome position (GRCh38, 1-based): chr14:64,146,127, C>T. VCF-style: chr14-64146127-C-T. GRCh37 (hg19) VCF-style: chr14-64612845-C-T.
Other names: c.15543C>T, p.Ile5181= (NM_015180.6).
Identifiers: ClinVar variation 130479 (VCV000130479.19), dbSNP rs11629287, ClinGen allele CA155545.